The following is an entry in ClinVar:

NM_002755.4(MAP2K1):c.70A>G (p.Ser24Gly)

Gene: MAP2K1 (mitogen-activated protein kinase kinase 1; plus strand). Cytogenetic location: 15q22.31.
Variant type: single nucleotide variant.
Coding change: c.70A>G on transcript NM_002755.4 (MANE Select); coding-DNA position 70, A replaced by G.
Protein change: p.Ser24Gly; replaces serine 24 with glycine.
Molecular consequence: missense variant.
Genome position (GRCh38, 1-based): chr15:66,387,417, A>G. VCF-style: chr15-66387417-A-G. GRCh37 (hg19) VCF-style: chr15-66679755-A-G.
Other names: short protein forms S24G.
Identifiers: ClinVar variation 964053 (VCV000964053.9), dbSNP rs2093344167, ClinGen allele CA392931714.

ClinVar aggregate classification (germline): Uncertain significance (1 of 4 stars; one submission).

Conditions:
RASopathy. Also called: rasopathies; Noonan spectrum disorder. Identifiers: Orphanet 536391, MedGen C5555857, MONDO:0021060.

Submission:

Labcorp Genetics (formerly Invitae), Labcorp
Classification: Uncertain significance for RASopathy. Last evaluated: 2019-11-05. Review status: criteria provided, single submitter. Criteria: Invitae Variant Classification Sherloc (09022015). Collection method: clinical testing. Allele origin: germline.
Comment: This sequence change replaces serine with glycine at codon 24 of the MAP2K1 protein (p.Ser24Gly). The serine residue is weakly conserved and there is a small physicochemical difference between serine and glycine. In summary, the available evidence is currently insufficient to determine the role of this variant in disease. Therefore, it has been classified as a Variant of Uncertain Significance. Algorithms developed to predict the effect of missense changes on protein structure and function (SIFT, PolyPhen-2, Align-GVGD) all suggest that this variant is likely to be tolerated, but these predictions have not been confirmed by published functional studies and their clinical significance is uncertain. This variant has not been reported in the literature in individuals with MAP2K1-related conditions. This variant is not present in population databases (ExAC no frequency).